The following is an entry in ClinVar:

ClinVar aggregate classification (germline): Pathogenic/Likely pathogenic. Review status: criteria provided, multiple submitters, no conflicts (2 of 4 stars). 2 submissions from 2 submitters: Pathogenic (1); Likely pathogenic (1). Last evaluated 2023-09-25.

Conditions:
Oculocutaneous albinism type 4 (OCA4). Also called: Albinism, oculocutaneous, type IV. Identifiers: Orphanet 79435, MedGen C1847836, MONDO:0011683, OMIM 606574.

Submissions (2):

Department of Pathology and Laboratory Medicine, Sinai Health System
Classification: Likely pathogenic for Oculocutaneous albinism type 4. Last evaluated: 2023-09-25. Review status: criteria provided, single submitter. Criteria: ACMG Guidelines, 2015. Collection method: research. Allele origin: germline.

Labcorp Genetics (formerly Invitae), Labcorp
Classification: Pathogenic. Last evaluated: 2023-04-09. Review status: criteria provided, single submitter. Criteria: Invitae Variant Classification Sherloc (09022015). Collection method: clinical testing. Allele origin: germline.
Comment: This variant is not present in population databases (gnomAD no frequency). This sequence change creates a premature translational stop signal (p.Tyr266*) in the SLC45A2 gene. It is expected to result in an absent or disrupted protein product. Loss-of-function variants in SLC45A2 are known to be pathogenic (PMID: 21458243, 26573111). This premature translational stop signal has been observed in individual(s) with oculocutaneous albinism (PMID: 19865097). For these reasons, this variant has been classified as Pathogenic.

Literature cited by the submitters: PubMed 21458243 (cited by Labcorp Genetics (formerly Invitae), Labcorp); PubMed 26573111 (cited by Labcorp Genetics (formerly Invitae), Labcorp); PubMed 19865097 (cited by Labcorp Genetics (formerly Invitae), Labcorp).

NM_016180.5(SLC45A2):c.798C>A (p.Tyr266Ter)

Gene: SLC45A2 (solute carrier family 45 member 2; minus strand). Cytogenetic location: 5p13.2.
Variant type: single nucleotide variant.
Coding change: c.798C>A on transcript NM_016180.5 (MANE Select); coding-DNA position 798, C replaced by A.
Protein change: p.Tyr266Ter; replaces tyrosine 266 with a stop codon.
Molecular consequence: nonsense. On other transcripts: intron variant (1).
Genome position (GRCh38, 1-based): chr5:33,963,781, G>T on the plus strand (C>A on the coding strand, the complement: SLC45A2 is on the minus strand). VCF-style: chr5-33963781-G-T. GRCh37 (hg19) VCF-style: chr5-33963886-G-T.
Other names: c.798C>A, p.Tyr266Ter (NM_001012509.4); c.563-9277C>A (NM_001297417.4); short protein forms Y266*.
Identifiers: ClinVar variation 2820302 (VCV002820302.4), dbSNP rs375077956, ClinGen allele CA359393392.
Genomic context (GRCh38, chr5:33,963,781, plus strand): 5'-CTGCATTGCCAGCTCTGGATTTACGTAACCATTTTTAACTTTCTCGATAGAACCATACTC[G>T]TACATTCCATCTGATGACAATGGAGGGTCCTGAGGGGTTTGCTGTGGGGGAATGCCCTTT-3'